The following is an entry in ClinVar:

ClinVar aggregate classification (germline): Uncertain significance (1 of 4 stars; one submission).

Submission:

Labcorp Genetics (formerly Invitae), Labcorp
Classification: Uncertain significance. Last evaluated: 2023-02-14. Review status: criteria provided, single submitter. Criteria: Invitae Variant Classification Sherloc (09022015). Collection method: clinical testing. Allele origin: germline.
Comment: This variant is not present in population databases (gnomAD no frequency). This sequence change replaces serine, which is neutral and polar, with tyrosine, which is neutral and polar, at codon 408 of the ABCC8 protein (p.Ser408Tyr). This missense change has been observed in individual(s) with clinical features of autosomal dominant familial hyperinsulinism (Invitae). Advanced modeling of protein sequence and biophysical properties (such as structural, functional, and spatial information, amino acid conservation, physicochemical variation, residue mobility, and thermodynamic stability) performed at Invitae indicates that this missense variant is expected to disrupt ABCC8 protein function. In summary, the available evidence is currently insufficient to determine the role of this variant in disease. Therefore, it has been classified as a Variant of Uncertain Significance.

NM_000352.6(ABCC8):c.1223C>A (p.Ser408Tyr)

Gene: ABCC8 (ATP binding cassette subfamily C member 8; minus strand). Cytogenetic location: 11p15.1.
Variant type: single nucleotide variant.
Coding change: c.1223C>A on transcript NM_000352.6 (MANE Select); coding-DNA position 1223, C replaced by A.
Protein change: p.Ser408Tyr; replaces serine 408 with tyrosine.
Molecular consequence: missense variant. On other transcripts: non-coding transcript variant (1).
Genome position (GRCh38, 1-based): chr11:17,448,625, G>T on the plus strand (C>A on the coding strand, the complement: ABCC8 is on the minus strand). VCF-style: chr11-17448625-G-T. GRCh37 (hg19) VCF-style: chr11-17470172-G-T.
Other names: c.1223C>A, p.Ser408Tyr (NM_001287174.3, NM_001351295.2); c.1220C>A, p.Ser407Tyr (NM_001351296.2, NM_001351297.2); short protein forms S408Y, S407Y.
Identifiers: ClinVar variation 2836856 (VCV002836856.3), dbSNP rs2496781694, ClinGen allele CA379768736.